The following is an entry in ClinVar:

ClinVar aggregate classification (germline): Uncertain significance. Review status: criteria provided, multiple submitters, no conflicts (2 of 4 stars). 3 submissions from 3 submitters: Uncertain significance (3). Last evaluated 2025-08-27.

Conditions:
Familial adenomatous polyposis 2. Also called: MUTYH-associated polyposis; Adenomas, multiple colorectal; COLORECTAL ADENOMATOUS POLYPOSIS, AUTOSOMAL RECESSIVE; ADENOMAS, MULTIPLE COLORECTAL, AUTOSOMAL RECESSIVE; MUTYH-related attenuated familial adenomatous polyposis; MYH-associated polyposis. Identifiers: Orphanet 220460, Orphanet 247798, MedGen C3272841, MONDO:0012041, OMIM 608456.
Hereditary cancer-predisposing syndrome. Also called: Hereditary Cancer Syndrome; Hereditary neoplastic syndrome; Neoplastic Syndromes, Hereditary; Tumor predisposition. Identifiers: Orphanet 140162, MedGen C0027672, MeSH D009386, MONDO:0015356.

Submissions (3):

Ambry Genetics
Classification: Uncertain significance for Hereditary cancer-predisposing syndrome. Last evaluated: 2025-08-27. Review status: criteria provided, single submitter. Criteria: Ambry Variant Classification Scheme 2023. Collection method: clinical testing. Allele origin: germline.
Comment: The p.R115S variant (also known as c.345A>T), located in coding exon 3 of the MUTYH gene, results from an A to T substitution at nucleotide position 345. The arginine at codon 115 is replaced by serine, an amino acid with dissimilar properties. This amino acid position is conserved. In addition, this alteration is predicted to be tolerated by in silico analysis. Based on the available evidence, the clinical significance of this variant remains unclear.

All of Us Research Program, National Institutes of Health
Classification: Uncertain significance for Familial adenomatous polyposis 2. Last evaluated: 2023-12-18. Review status: criteria provided, single submitter. Criteria: ACMG Guidelines, 2015. Collection method: clinical testing. Allele origin: germline. Inheritance: Autosomal recessive inheritance. Observed: 1 variant allele, 1 heterozygote.
Comment: This missense variant replaces arginine with serine at codon 115 of the MUTYH protein. Computational prediction suggests that this variant may not impact protein structure and function (internally defined REVEL score threshold <= 0.5, PMID: 27666373). To our knowledge, functional studies have not been reported for this variant. This variant has not been reported in individuals affected with MUTYH-related disorders in the literature. This variant has not been identified in the general population by the Genome Aggregation Database (gnomAD). The available evidence is insufficient to determine the role of this variant in disease conclusively. Therefore, this variant is classified as a Variant of Uncertain Significance.

This study involves interpretation of variants in research participants for the purpose of population health screening. Participant phenotype was not available at the time of variant classification. Additional details can be found in publication PMID: 35346344, PMCID: PMC8962531

Labcorp Genetics (formerly Invitae), Labcorp
Classification: Uncertain significance for Familial adenomatous polyposis 2. Last evaluated: 2023-09-15. Review status: criteria provided, single submitter. Criteria: Invitae Variant Classification Sherloc (09022015). Collection method: clinical testing. Allele origin: germline.
Comment: An algorithm developed to predict the effect of missense changes on protein structure and function (PolyPhen-2) suggests that this variant is likely to be tolerated. In summary, the available evidence is currently insufficient to determine the role of this variant in disease. Therefore, it has been classified as a Variant of Uncertain Significance. This variant has not been reported in the literature in individuals affected with MUTYH-related conditions. This variant is not present in population databases (gnomAD no frequency). This sequence change replaces arginine, which is basic and polar, with serine, which is neutral and polar, at codon 115 of the MUTYH protein (p.Arg115Ser).

NM_001048174.2(MUTYH):c.261A>T (p.Arg87Ser)

Gene: MUTYH (mutY DNA glycosylase; minus strand). Cytogenetic location: 1p34.1.
Variant type: single nucleotide variant.
Coding change: c.261A>T on transcript NM_001048174.2 (MANE Select); coding-DNA position 261, A replaced by T.
Protein change: p.Arg87Ser; replaces arginine 87 with serine.
Molecular consequence: missense variant. On other transcripts: non-coding transcript variant (7), 5 prime UTR variant (6).
Genome position (GRCh38, 1-based): chr1:45,333,416, T>A on the plus strand (A>T on the coding strand, the complement: MUTYH is on the minus strand). VCF-style: chr1-45333416-T-A. GRCh37 (hg19) VCF-style: chr1-45799088-T-A.
Other names: c.336A>T, p.Arg112Ser (NM_012222.3, NM_001407069.1); c.261A>T, p.Arg87Ser (NM_001048171.2, NM_001048173.2, NM_001293195.2 and 6 more transcripts); c.264A>T, p.Arg88Ser (NM_001048172.2, NM_001407071.1, NM_001407078.1 and 2 more transcripts); c.345A>T, p.Arg115Ser (NM_001128425.2); c.306A>T, p.Arg102Ser (NM_001293190.2); c.294A>T, p.Arg98Ser (NM_001293191.2, NM_001407077.1); c.-16A>T (NM_001293192.2, NM_001293196.2, NM_001407091.1); c.-11A>T (NM_001350650.2, NM_001350651.2, NM_001407082.1); and 3 more; short protein forms R115S, R59S, R98S, R101S, R112S, R94S, R102S, R87S.
Identifiers: ClinVar variation 2760799 (VCV002760799.5), dbSNP rs768626819, ClinGen allele CA340136334.